The following is an entry in ClinVar:

ClinVar aggregate classification (germline): Uncertain significance (1 of 4 stars; one submission).

Submission:

CeGaT Center for Human Genetics Tuebingen
Classification: Uncertain significance. Last evaluated: 2026-02-01. Review status: criteria provided, single submitter. Criteria: CeGaT Center For Human Genetics Tuebingen Variant Classification Criteria Version 2. Collection method: clinical testing. Allele origin: germline. Affected: yes. Observed: 1 variant allele.
Comment: ACTN4: PM2

NM_004924.6(ACTN4):c.2009A>T (p.Glu670Val)

Gene: ACTN4 (actinin alpha 4; plus strand). Cytogenetic location: 19q13.2.
Variant type: single nucleotide variant.
Coding change: c.2009A>T on transcript NM_004924.6 (MANE Select); coding-DNA position 2009, A replaced by T.
Protein change: p.Glu670Val; replaces glutamic acid 670 with valine.
Molecular consequence: missense variant.
Genome position (GRCh38, 1-based): chr19:38,724,564, A>T. VCF-style: chr19-38724564-A-T. GRCh37 (hg19) VCF-style: chr19-39215204-A-T.
Other names: c.2009A>T, p.Glu670Val (NM_001322033.2, NM_001411143.1, NM_001440296.1 and 2 more transcripts); c.1757A>T, p.Glu586Val (NM_001440299.1); short protein forms E586V, E670V.
Identifiers: ClinVar variation 4823239 (VCV004823239.4).